The following is an entry in ClinVar:

ClinVar aggregate classification (germline): Likely benign (1 of 4 stars; one submission).

Conditions:
Familial cancer of breast. Also called: hereditary breast carcinoma; Hereditary breast cancer; BREAST CANCER, FAMILIAL. Identifiers: Orphanet 227535, MedGen C0346153, MONDO:0016419, OMIM 114480. Disease mechanism: loss of function.

Submission:

Myriad Genetics, Inc.
Classification: Likely benign for Familial cancer of breast. Last evaluated: 2024-09-03. Review status: criteria provided, single submitter. Criteria: Myriad Autosomal Dominant, Autosomal Recessive and X-Linked Classification Criteria (2023). Collection method: clinical testing. Allele origin: unknown.
Comment: This variant is considered likely benign. This variant has been observed at a population frequency that is significantly greater than expected given the associated disease prevalence and penetrance.

NM_032043.3(BRIP1):c.2236_2238delinsGTT (p.Ile746Val)

Gene: BRIP1 (BRCA1 interacting DNA helicase 1; minus strand). Cytogenetic location: 17q23.2.
Variant type: Indel.
Coding change: c.2236_2238delinsGTT on transcript NM_032043.3 (MANE Select); coding-DNA positions 2236 to 2238, ATC replaced by GTT.
Protein change: p.Ile746Val; replaces isoleucine 746 with valine.
Molecular consequence: missense variant.
Genome position (GRCh38, 1-based): chr17:61,744,451-61,744,453, GAT replaced by AAC on the plus strand (ATC replaced by GTT on the coding strand, the reverse complement: BRIP1 is on the minus strand). VCF-style: chr17-61744451-GAT-AAC. GRCh37 (hg19) VCF-style: chr17-59821812-GAT-AAC.
Other names: short protein forms I746V.
Identifiers: ClinVar variation 3379150 (VCV003379150.1).
Genomic context (GRCh38, chr17:61,744,451, plus strand): 5'-AAAAATATTTTTTCACCGACCATGAAATAATTTCCAGTTACCTTTCTCTCCTTTGTATTT[GAT>AAC]TGCGTCATAGTACACCTGCAGTAATTCATCAAAATTTGTTTTTTCTCCTCCCTGTGGTTC-3'
Protein context (NP_114432.2, residues 736-756): DELLQVYYDA[Ile746Val]KYKGEKDGAL